The following is an entry in ClinVar:

NM_025114.4(CEP290):c.4661A>T (p.Glu1554Val)

Gene: CEP290 (centrosomal protein 290; minus strand). Cytogenetic location: 12q21.32.
Variant type: single nucleotide variant.
Coding change: c.4661A>T on transcript NM_025114.4 (MANE Select); coding-DNA position 4661, A replaced by T.
Protein change: p.Glu1554Val; replaces glutamic acid 1554 with valine.
Molecular consequence: missense variant.
Genome position (GRCh38, 1-based): chr12:88,084,629, T>A on the plus strand (A>T on the coding strand, the complement: CEP290 is on the minus strand). VCF-style: chr12-88084629-T-A. GRCh37 (hg19) VCF-style: chr12-88478406-T-A.
Other names: short protein forms E1554V.
Identifiers: ClinVar variation 3029518 (VCV003029518.2), dbSNP rs756946490, ClinGen allele CA6711896.

ClinVar aggregate classification (germline): Uncertain significance (0 of 4 stars; one submission).

Conditions:
CEP290-related disorder. Also called: CEP290-related disorders; CEP290-related condition. Identifiers: MedGen CN239314.

Allele frequency attached by ClinVar (database versions not stated): gnomAD exomes below 0.00001; ExAC 0.00002.
gnomAD v4.1: 6 of 1,613,046 alleles (0.00037%); highest among the groups gnomAD compares: South Asian, 0.0044%; no homozygotes.

Submission:

PreventionGenetics, part of Exact Sciences
Classification: Uncertain significance for CEP290-related condition. Last evaluated: 2024-01-11. Review status: no assertion criteria provided. Collection method: clinical testing. Allele origin: germline.
Comment: The CEP290 c.4661A>T variant is predicted to result in the amino acid substitution p.Glu1554Val. To our knowledge, this variant has not been reported in the literature. This variant is reported in 0.016% of alleles in individuals of South Asian descent in gnomAD. At this time, the clinical significance of this variant is uncertain due to the absence of conclusive functional and genetic evidence.